The following is an entry in ClinVar:

NM_006922.4(SCN3A):c.1934A>C (p.His645Pro)

Gene: SCN3A (sodium voltage-gated channel alpha subunit 3; minus strand). Cytogenetic location: 2q24.3.
Variant type: single nucleotide variant.
Coding change: c.1934A>C on transcript NM_006922.4 (MANE Select); coding-DNA position 1934, A replaced by C.
Protein change: p.His645Pro; replaces histidine 645 with proline.
Molecular consequence: missense variant. On other transcripts: intron variant (2).
Genome position (GRCh38, 1-based): chr2:165,140,736, T>G on the plus strand (A>C on the coding strand, the complement: SCN3A is on the minus strand). VCF-style: chr2-165140736-T-G. GRCh37 (hg19) VCF-style: chr2-165997246-T-G.
Other names: c.1872+62A>C (NM_001081676.2, NM_001081677.2); short protein forms H645P.
Identifiers: ClinVar variation 841818 (VCV000841818.1), dbSNP rs1687959521, ClinGen allele CA349046263.

ClinVar aggregate classification (germline): Uncertain significance (1 of 4 stars; one submission).

Submission:

Labcorp Genetics (formerly Invitae), Labcorp
Classification: Uncertain significance. Last evaluated: 2019-12-27. Review status: criteria provided, single submitter. Criteria: Invitae Variant Classification Sherloc (09022015). Collection method: clinical testing. Allele origin: germline.
Comment: This sequence change replaces histidine with proline at codon 645 of the SCN3A protein (p.His645Pro). The histidine residue is highly conserved and there is a moderate physicochemical difference between histidine and proline. This variant is not present in population databases (ExAC no frequency). This variant has not been reported in the literature in individuals with SCN3A-related conditions. Algorithms developed to predict the effect of missense changes on protein structure and function are either unavailable or do not agree on the potential impact of this missense change (SIFT: "Deleterious"; PolyPhen-2: "Probably Damaging"; Align-GVGD: "Class C0"). In summary, the available evidence is currently insufficient to determine the role of this variant in disease. Therefore, it has been classified as a Variant of Uncertain Significance.